The following is an entry in ClinVar:

NM_004727.3(SLC24A1):c.361A>G (p.Met121Val)

Gene: SLC24A1 (solute carrier family 24 member 1; plus strand). Cytogenetic location: 15q22.31.
Variant type: single nucleotide variant.
Coding change: c.361A>G on transcript NM_004727.3 (MANE Select); coding-DNA position 361, A replaced by G.
Protein change: p.Met121Val; replaces methionine 121 with valine.
Molecular consequence: missense variant.
Genome position (GRCh38, 1-based): chr15:65,624,441, A>G. VCF-style: chr15-65624441-A-G. GRCh37 (hg19) VCF-style: chr15-65916779-A-G.
Other names: c.361A>G, p.Met121Val (NM_001301031.1, NM_001301032.1, NM_001301033.2 and 1 more transcripts); short protein forms M121V.
Identifiers: ClinVar variation 1959454 (VCV001959454.3), dbSNP rs1321655279, ClinGen allele CA392913483.
Genomic context (GRCh38, chr15:65,624,441, plus strand): 5'-GAAGCAACACTGAGCATGACAGTGGAGAATATCCCCAGTATGCCTAAAAGAACAGCCAAG[A>G]TGATCCCAACAACAACCAAGAATAATTACAGCCCAACAGCAGCAGGTACAGAAAGAAGGA-3'
Protein context (NP_004718.1, residues 111-131): IPSMPKRTAK[Met121Val]IPTTTKNNYS

ClinVar aggregate classification (germline): Uncertain significance (1 of 4 stars; one submission).

Allele frequency attached by ClinVar (database versions not stated): gnomAD exomes below 0.00001; gnomAD 0.00001; TOPMed 0.00002.

Submission:

Labcorp Genetics (formerly Invitae), Labcorp
Classification: Uncertain significance. Last evaluated: 2022-04-28. Review status: criteria provided, single submitter. Criteria: Invitae Variant Classification Sherloc (09022015). Collection method: clinical testing. Allele origin: germline.
Comment: This sequence change replaces methionine, which is neutral and non-polar, with valine, which is neutral and non-polar, at codon 121 of the SLC24A1 protein (p.Met121Val). This variant is not present in population databases (gnomAD no frequency). This variant has not been reported in the literature in individuals affected with SLC24A1-related conditions. Algorithms developed to predict the effect of missense changes on protein structure and function output the following: SIFT: "Tolerated"; PolyPhen-2: "Benign"; Align-GVGD: "Class C0". The valine amino acid residue is found in multiple mammalian species, which suggests that this missense change does not adversely affect protein function. In summary, the available evidence is currently insufficient to determine the role of this variant in disease. Therefore, it has been classified as a Variant of Uncertain Significance.